The following is an entry in ClinVar:

NM_017613.4(DONSON):c.1480G>A (p.Gly494Arg)

Gene: DONSON (DNA replication fork stabilization factor DONSON; minus strand). Cytogenetic location: 21q22.11.
Variant type: single nucleotide variant.
Coding change: c.1480G>A on transcript NM_017613.4 (MANE Select); coding-DNA position 1480, G replaced by A.
Protein change: p.Gly494Arg; replaces glycine 494 with arginine.
Molecular consequence: missense variant.
Genome position (GRCh38, 1-based): chr21:33,579,433, C>T on the plus strand (G>A on the coding strand, the complement: DONSON is on the minus strand). VCF-style: chr21-33579433-C-T. GRCh37 (hg19) VCF-style: chr21-34951739-C-T.
Other names: short protein forms G494R.
Identifiers: ClinVar variation 1503643 (VCV001503643.6), dbSNP rs2145899175, ClinGen allele CA410131255.

ClinVar aggregate classification (germline): Uncertain significance (1 of 4 stars; one submission).

Allele frequency attached by ClinVar (database versions not stated): gnomAD exomes below 0.00001.
gnomAD v4.1: 4 of 1,614,150 alleles (0.00025%); highest among the groups gnomAD compares: African/African-American, 0.004%; no homozygotes.

Submission:

Labcorp Genetics (formerly Invitae), Labcorp
Classification: Uncertain significance. Last evaluated: 2021-12-04. Review status: criteria provided, single submitter. Criteria: Invitae Variant Classification Sherloc (09022015). Collection method: clinical testing. Allele origin: germline.
Comment: This sequence change replaces glycine, which is neutral and non-polar, with arginine, which is basic and polar, at codon 494 of the DONSON protein (p.Gly494Arg). This variant is not present in population databases (gnomAD no frequency). This variant has not been reported in the literature in individuals affected with DONSON-related conditions. Algorithms developed to predict the effect of missense changes on protein structure and function are either unavailable or do not agree on the potential impact of this missense change (SIFT: "Deleterious"; PolyPhen-2: "Probably Damaging"; Align-GVGD: "Class C0"). In summary, the available evidence is currently insufficient to determine the role of this variant in disease. Therefore, it has been classified as a Variant of Uncertain Significance.